The following is an entry in ClinVar:

NM_005902.4(SMAD3):c.207-26797del

Gene: SMAD3 (SMAD family member 3; plus strand). Cytogenetic location: 15q22.33.
Variant type: Deletion.
Coding change: c.207-26797del on transcript NM_005902.4 (MANE Select); 26797 bases into the intron before coding-DNA position 207, one base deleted (G; older notation c.207-26797delG).
Molecular consequence: intron variant. On other transcripts: frameshift variant (1).
Genome position (GRCh38, 1-based): chr15:67,138,098, G deleted; the last of 4 consecutive G bases (chr15:67,138,095-67,138,098); deleting any one gives the same sequence. VCF-style (leftmost placement, unchanged base first): chr15-67138094-TG-T. GRCh37 (hg19) VCF-style: chr15-67430432-TG-T.
Other names: c.72del, p.Arg25fs (NM_001145103.2); c.-110+12114del (NM_001145102.2); short protein forms R25fs.
Identifiers: ClinVar variation 1186838 (VCV001186838.7), dbSNP rs1291138310, ClinGen allele CA618810882.

ClinVar aggregate classification (germline): Uncertain significance. Review status: criteria provided, multiple submitters, no conflicts (2 of 4 stars). 3 submissions from 3 submitters: Uncertain significance (3). Last evaluated 2025-02-18.

Conditions:
Aneurysm-osteoarthritis syndrome. Also called: SMAD3-Related Loeys-Dietz Syndrome; LOEYS-DIETZ SYNDROME WITH OSTEOARTHRITIS; ANEURYSMS-OSTEOARTHRITIS SYNDROME; Loeys-Dietz syndrome, type 1C. Identifiers: Orphanet 284984, MedGen C3151087, MONDO:0013426, OMIM 613795.

Submissions (3):

GeneDx
Classification: Uncertain significance. Last evaluated: 2025-02-18. Review status: criteria provided, single submitter. Criteria: GeneDx Variant Classification Process June 2021. Collection method: clinical testing. Allele origin: germline. Affected: yes.
Comment: Frameshift variant predicted to result in protein truncation or nonsense mediated decay in a gene or region of a gene for which loss of function is not a well-established mechanism of disease; Reported using an alternate transcript of the gene; Identified in individuals with atherosclerosis, severe intracranial vessel disease, and congenital heart disease in published literature, but additional clinical information and segregation data were not provided for all cases (PMID: 31130284, 26046366, 33084842); This variant is associated with the following publications: (PMID: 33084842, 26046366, 33087929, 31130284, 34515413)

ARUP Laboratories, Molecular Genetics and Genomics, ARUP Laboratories
Classification: Uncertain significance for Aneurysm-osteoarthritis syndrome. Last evaluated: 2024-09-15. Review status: criteria provided, single submitter. Criteria: ARUP Molecular Germline Variant Investigation Process 2024. Collection method: clinical testing. Allele origin: germline.
Comment: The SMAD3 c.72del p.Arg25GlyfsTer47 variant (rs1291138310; ClinVar ID: 1186838), also known as c.207-26797del in transcript NM_005902.4, is reported in the literature in several individuals with diverse cardiovascular phenotypes, although its contribution to disease was not demonstrated (Johnston 2015, Monies 2019, Morton 2021). This variant is found in the general population with an allele frequency of 0.002% (3/154,240 alleles) in the Genome Aggregation Database (v2.1.1). This variant occurs in a poorly conserved exon in alternate transcript NM_001145103.2 and causes a frameshift by deleting a single nucleotide. However, the clinical relevance of variants in this exon remain unclear at this time. Due to limited information, the clinical significance of this variant is uncertain at this time. References: Johnston JJ et al. Individualized iterative phenotyping for genome-wide analysis of loss-of-function mutations. Am J Hum Genet. 2015 Jun 4;96(6):913-25. PMID: 26046366. Monies D et al. Lessons Learned from Large-Scale, First-Tier Clinical Exome Sequencing in a Highly Consanguineous Population. Am J Hum Genet. 2019 Jun 6;104(6):1182-1201. PMID: 31130284. Morton SU et al. Association of Damaging Variants in Genes With Increased Cancer Risk Among Patients With Congenital Heart Disease. JAMA Cardiol. 2021 Apr 1;6(4):457-462. PMID: 33084842.

Blueprint Genetics
Classification: Uncertain significance. Last evaluated: 2024-07-02. Review status: criteria provided, single submitter. Criteria: ACMG Guidelines, 2015. Collection method: clinical testing. Allele origin: germline.